The following is an entry in ClinVar:

ClinVar aggregate classification (germline): Conflicting classifications of pathogenicity. Review status: criteria provided, conflicting classifications (1 of 4 stars). 3 submissions from 3 submitters: Uncertain significance (2); Likely benign (1). Last evaluated 2026-01-13.

Conditions:
Hereditary cancer-predisposing syndrome. Also called: Hereditary neoplastic syndrome; Tumor predisposition; Neoplastic Syndromes, Hereditary; Hereditary Cancer Syndrome. Identifiers: Orphanet 140162, MedGen C0027672, MeSH D009386, MONDO:0015356.
Familial cancer of breast. Also called: Hereditary breast cancer; BREAST CANCER, FAMILIAL; hereditary breast carcinoma. Identifiers: Orphanet 227535, MedGen C0346153, MONDO:0016419, OMIM 114480. Disease mechanism: loss of function.

Allele frequency attached by ClinVar (database versions not stated): TOPMed below 0.00001.
gnomAD v4.1: 22 of 1,614,078 alleles (0.0014%); highest among the groups gnomAD compares: Non-Finnish European, 0.0017%; no homozygotes.

Submissions (3):

Labcorp Genetics (formerly Invitae), Labcorp
Classification: Likely benign for Familial cancer of breast. Last evaluated: 2026-01-13. Review status: criteria provided, single submitter. Criteria: Invitae Variant Classification Sherloc (09022015). Collection method: clinical testing. Allele origin: germline.

Color Diagnostics, LLC DBA Color Health
Classification: Uncertain significance for Hereditary cancer-predisposing syndrome. Last evaluated: 2023-03-28. Review status: criteria provided, single submitter. Criteria: ACMG Guidelines, 2015. Collection method: clinical testing. Allele origin: germline.
Comment: This variant causes a C>G nucleotide substitution at the -9 position of intron 3 of the CHEK2 gene. To our knowledge, functional studies have not been performed for this variant. This variant has not been reported in individuals affected with hereditary cancer in the literature. This variant has not been identified in the general population by the Genome Aggregation Database (gnomAD). The available evidence is insufficient to determine the role of this variant in disease conclusively. Therefore, this variant is classified as a Variant of Uncertain Significance.

GeneDx
Classification: Uncertain significance. Last evaluated: 2018-01-19. Review status: criteria provided, single submitter. Criteria: GeneDx Variant Classification (06012015). Collection method: clinical testing. Allele origin: germline. Affected: yes.
Comment: This variant is denoted CHEK2 c.445-9C>G or IVS3-9C>G and consists of a C>G nucleotide substitution at the -9 position of intron 3 of the CHEK2 gene. In-silico analyses, which include splice predictors and evolutionary conservation, are inconsistent in their assessment as to whether or not the variant is damaging. This variant has not, to our knowledge, been published in the literature as pathogenic or benign. This variant was not observed in large population cohorts (Lek 2016). Based on currently available evidence, it is unclear whether CHEK2 c.445-9C>G is a pathogenic or benign variant. We consider it to be a variant of uncertain significance.

NM_007194.4(CHEK2):c.445-9C>G

Gene: CHEK2 (checkpoint kinase 2; minus strand). Cytogenetic location: 22q12.1.
Variant type: single nucleotide variant.
Coding change: c.445-9C>G on transcript NM_007194.4 (MANE Select); 9 bases into the intron before coding-DNA position 445, C replaced by G.
Molecular consequence: intron variant.
Genome position (GRCh38, 1-based): chr22:28,725,133, G>C on the plus strand (C>G on the coding strand, the complement: CHEK2 is on the minus strand). VCF-style: chr22-28725133-G-C. GRCh37 (hg19) VCF-style: chr22-29121121-G-C.
Other names: c.-219-9C>G (NM_001437942.1); c.444+110C>G (NM_001349956.3); c.445-9C>G (NM_145862.3); c.-333-9C>G (NM_001257387.3); c.538-9C>G (NM_001438295.1, NM_001438293.1); c.574-9C>G (NM_001438294.1, NM_001005735.3).
Identifiers: ClinVar variation 421044 (VCV000421044.17), dbSNP rs1064794870, ClinGen allele CA16621078.